The following is an entry in ClinVar:

NM_005751.5(AKAP9):c.1868_1871del (p.Glu623fs)

Gene: AKAP9 (A-kinase anchoring protein 9; plus strand). Cytogenetic location: 7q21.2.
Variant type: Microsatellite.
Coding change: c.1868_1871del on transcript NM_005751.5 (MANE Select); coding-DNA positions 1868 to 1871, 4 bases deleted (AGAG; older notation c.1868_1871delAGAG).
Protein change: p.Glu623fs; shifts the reading frame from glutamic acid 623.
Molecular consequence: frameshift variant.
Genome position (GRCh38, 1-based): chr7:92,001,785-92,001,788, AGAG deleted; deleting any 4 consecutive bases within chr7:92,001,783-92,001,788 gives the same sequence; the c. name uses the placement nearest the transcript's 3' end. VCF-style (leftmost placement, unchanged base first): chr7-92001782-TAGAG-T. GRCh37 (hg19) VCF-style: chr7-91631096-TAGAG-T.
Other names: c.1866_1867AG[1], p.Glu623Glyfs (NM_005751.4); c.1868_1871del, p.Glu623fs (NM_147185.3); c.1868_1871delAGAG (NM_005751.4); short protein forms E623fs.
Identifiers: ClinVar variation 3225022 (VCV003225022.2), dbSNP rs754882162, ClinGen allele CA843816415.

ClinVar aggregate classification (germline): Uncertain significance. Review status: criteria provided, multiple submitters, no conflicts (2 of 4 stars). 2 submissions from 2 submitters: Uncertain significance (2). Last evaluated 2025-07-29.

Conditions:
Long QT syndrome (LQTS). Identifiers: MedGen C0023976, MeSH D008133, MONDO:0002442. Disease mechanism: loss of function. Inheritance: Various modes of inheritance.
Cardiovascular phenotype. Identifiers: MedGen CN230736.

Submissions (2):

Labcorp Genetics (formerly Invitae), Labcorp
Classification: Uncertain significance for Long QT syndrome. Last evaluated: 2025-07-29. Review status: criteria provided, single submitter. Criteria: Invitae Variant Classification Sherloc (09022015). Collection method: clinical testing. Allele origin: germline.
Comment: This sequence change creates a premature translational stop signal (p.Glu623Glyfs*2) in the AKAP9 gene. It is expected to result in an absent or disrupted protein product. However, the current clinical and genetic evidence is not sufficient to establish whether loss-of-function variants in AKAP9 cause disease. This variant is not present in population databases (gnomAD no frequency). This variant has not been reported in the literature in individuals affected with AKAP9-related conditions. In summary, the available evidence is currently insufficient to determine the role of this variant in disease. Therefore, it has been classified as a Variant of Uncertain Significance.

Ambry Genetics
Classification: Uncertain significance for Cardiovascular phenotype. Last evaluated: 2023-11-17. Review status: criteria provided, single submitter. Criteria: Ambry Variant Classification Scheme 2023. Collection method: clinical testing. Allele origin: germline.
Comment: The c.1868_1871delAGAG variant, located in coding exon 8 of the AKAP9 gene, results from a deletion of 4 nucleotides at nucleotide positions 1868 to 1871, causing a translational frameshift with a predicted alternate stop codon (p.E623Gfs*2). This alteration is expected to result in protein truncation or nonsense-mediated mRNA decay. However, loss of function of AKAP9 has not been established as a mechanism of disease. The evidence for this gene-disease relationship is limited; therefore, the clinical significance of this alteration is unclear.